The following is an entry in ClinVar:

ClinVar aggregate classification (germline): Uncertain significance (1 of 4 stars; one submission).

Submission:

Women's Health and Genetics/Laboratory Corporation of America, LabCorp
Classification: Uncertain significance. Last evaluated: 2025-09-24. Review status: criteria provided, single submitter. Criteria: LabCorp Variant Classification Summary - May 2015. Collection method: clinical testing. Allele origin: germline.
Comment: Variant summary: VPS53 c.187G>A (p.Glu63Lys) results in a conservative amino acid change in the encoded protein sequence. Algorithms developed to predict the effect of missense changes on protein structure and function are either unavailable or do not agree on the potential impact of this missense change. The frequency data for this variant in gnomAD is considered unreliable, as metrics indicate poor data quality at this position. To our knowledge, no occurrence of c.187G>A in individuals affected with VPS53-related conditions and no experimental evidence demonstrating its impact on protein function have been reported. No submitters have cited clinical-significance assessments for this variant to ClinVar. Based on the evidence outlined above, the variant was classified as uncertain significance.

NM_001128159.3(VPS53):c.187G>A (p.Glu63Lys)

Gene: VPS53 (VPS53 subunit of GARP complex; minus strand). Cytogenetic location: 17p13.3.
Variant type: single nucleotide variant.
Coding change: c.187G>A on transcript NM_001128159.3 (MANE Select); coding-DNA position 187, G replaced by A.
Protein change: p.Glu63Lys; replaces glutamic acid 63 with lysine.
Molecular consequence: missense variant. On other transcripts: 5 prime UTR variant (1).
Genome position (GRCh38, 1-based): chr17:699,362, C>T on the plus strand (G>A on the coding strand, the complement: VPS53 is on the minus strand). VCF-style: chr17-699362-C-T. GRCh37 (hg19) VCF-style: chr17-602602-C-T.
Other names: c.187G>A, p.Glu63Lys (NM_001366253.2, NM_018289.4); c.-506G>A (NM_001366254.2); short protein forms E63K.
Identifiers: ClinVar variation 4535982 (VCV004535982.1).